The following is an entry in ClinVar:

ClinVar aggregate classification (germline): Uncertain significance. Review status: criteria provided, multiple submitters, no conflicts (2 of 4 stars). 2 submissions from 2 submitters: Uncertain significance (2). Last evaluated 2023-01-14.

Conditions:
Dyskeratosis congenita, autosomal dominant 2. Identifiers: MedGen C3151443, MONDO:0013521, OMIM 613989.
Idiopathic Pulmonary Fibrosis. Also called: Idiopathic fibrosing alveolitis, chronic form; idiopathic fibrosing alveolitis. Identifiers: Orphanet 2032, MedGen C1800706, MeSH D054990, MONDO:0800504.
Dyskeratosis congenita. Identifiers: Orphanet 1775, MedGen C0265965, MONDO:0015780.

Allele frequency attached by ClinVar (database versions not stated): TOPMed below 0.00001.
gnomAD v4.1: 3 of 1,548,022 alleles (0.00019%); highest among the groups gnomAD compares: Non-Finnish European, 0.00026%; no homozygotes.

Submissions (2):

Labcorp Genetics (formerly Invitae), Labcorp
Classification: Uncertain significance for Dyskeratosis congenita, autosomal dominant 2; Idiopathic Pulmonary Fibrosis. Last evaluated: 2023-01-14. Review status: criteria provided, single submitter. Criteria: Invitae Variant Classification Sherloc (09022015). Collection method: clinical testing. Allele origin: germline.
Comment: Algorithms developed to predict the effect of missense changes on protein structure and function output the following: SIFT: "Tolerated"; PolyPhen-2: "Benign"; Align-GVGD: "Class C0". The threonine amino acid residue is found in multiple mammalian species, which suggests that this missense change does not adversely affect protein function. ClinVar contains an entry for this variant (Variation ID: 940468). This variant has not been reported in the literature in individuals affected with TERT-related conditions. This variant is not present in population databases (gnomAD no frequency). This sequence change replaces proline, which is neutral and non-polar, with threonine, which is neutral and polar, at codon 431 of the TERT protein (p.Pro431Thr). In summary, the available evidence is currently insufficient to determine the role of this variant in disease. Therefore, it has been classified as a Variant of Uncertain Significance.

Ambry Genetics
Classification: Uncertain significance for Dyskeratosis congenita. Last evaluated: 2022-01-13. Review status: criteria provided, single submitter. Criteria: Ambry Variant Classification Scheme 2023. Collection method: clinical testing. Allele origin: germline.
Comment: The p.P431T variant (also known as c.1291C>A), located in coding exon 2 of the TERT gene, results from a C to A substitution at nucleotide position 1291. The proline at codon 431 is replaced by threonine, an amino acid with highly similar properties. This amino acid position is conserved. In addition, this alteration is predicted to be tolerated by in silico analysis. Since supporting evidence is limited at this time, the clinical significance of this alteration remains unclear.

NM_198253.3(TERT):c.1291C>A (p.Pro431Thr)

Gene: TERT (telomerase reverse transcriptase; minus strand). Cytogenetic location: 5p15.33.
Variant type: single nucleotide variant.
Coding change: c.1291C>A on transcript NM_198253.3 (MANE Select); coding-DNA position 1291, C replaced by A.
Protein change: p.Pro431Thr; replaces proline 431 with threonine.
Molecular consequence: missense variant. On other transcripts: non-coding transcript variant (2).
Genome position (GRCh38, 1-based): chr5:1,293,595, G>T on the plus strand (C>A on the coding strand, the complement: TERT is on the minus strand). VCF-style: chr5-1293595-G-T. GRCh37 (hg19) VCF-style: chr5-1293710-G-T.
Other names: c.1291C>A, p.Pro431Thr (NM_001193376.3); short protein forms P431T.
Identifiers: ClinVar variation 940468 (VCV000940468.12), dbSNP rs1751140045, ClinGen allele CA359086354.